The following is an entry in ClinVar:

ClinVar aggregate classification (germline): Uncertain significance (1 of 4 stars; one submission).

Submission:

GeneDx
Classification: Uncertain significance. Last evaluated: 2020-01-17. Review status: criteria provided, single submitter. Criteria: GeneDx Variant Classification Process June 2021. Collection method: clinical testing. Allele origin: germline. Affected: yes.
Comment: Not observed in large population cohorts (Lek et al., 2016); Frameshift variant predicted to result in protein truncation or nonsense mediated decay in a gene for which loss-of-function is not a known mechanism of disease; Has not been previously published as pathogenic or benign to our knowledge

NM_032588.4(TRIM63):c.888del (p.Lys297fs)

Gene: TRIM63 (tripartite motif containing 63; minus strand). Cytogenetic location: 1p36.11.
Variant type: Deletion.
Coding change: c.888del on transcript NM_032588.4 (MANE Select); coding-DNA position 888, one base deleted (G; older notation c.888delG).
Protein change: p.Lys297fs; shifts the reading frame from lysine 297.
Molecular consequence: frameshift variant.
Genome position (GRCh38, 1-based): chr1:26,057,294, C deleted on the plus strand (G on the coding strand, the reverse complement: TRIM63 is on the minus strand); the first of 4 consecutive C bases (chr1:26,057,294-26,057,297); deleting any one gives the same sequence. VCF-style (leftmost placement, unchanged base first): chr1-26057293-TC-T. GRCh37 (hg19) VCF-style: chr1-26383784-TC-T.
Other names: short protein forms K297fs.
Identifiers: ClinVar variation 1314830 (VCV001314830.2), dbSNP rs1557572068, ClinGen allele CA916134848.